The following is an entry in ClinVar:

NM_024675.4(PALB2):c.35del (p.Glu12fs)

Gene: PALB2 (partner and localizer of BRCA2; minus strand). Cytogenetic location: 16p12.2.
Variant type: Deletion.
Coding change: c.35del on transcript NM_024675.4 (MANE Select); coding-DNA position 35, one base deleted (A; older notation c.35delA).
Protein change: p.Glu12fs; shifts the reading frame from glutamic acid 12.
Molecular consequence: frameshift variant.
Genome position (GRCh38, 1-based): chr16:23,641,123, T deleted on the plus strand (A on the coding strand, the reverse complement: PALB2 is on the minus strand). VCF-style (leftmost placement, unchanged base first): chr16-23641122-CT-C. GRCh37 (hg19) VCF-style: chr16-23652443-CT-C.
Other names: c.35delA (NM_024675.3); short protein forms E12fs.
Identifiers: ClinVar variation 231271 (VCV000231271.13), dbSNP rs876659063, ClinGen allele CA10580061.
Genomic context (GRCh38, chr16:23,641,122, plus strand): 5'-GAAAGCGGGGTCAGAGTCCTGCGTCCGCCCTTCCCGCACCCCCGGCACCTTTTCCTTCTC[CT>C]CACAGCTGAGGGGCTTCCCGGGAGGCTCGTCCATCGGGCAGGCGACAGAACGAAAAGAGC-3'

ClinVar aggregate classification (germline): Pathogenic. Review status: criteria provided, multiple submitters, no conflicts (2 of 4 stars). 2 submissions from 2 submitters: Pathogenic (2). Last evaluated 2024-01-30.

Conditions:
Hereditary cancer-predisposing syndrome. Also called: Neoplastic Syndromes, Hereditary; Tumor predisposition; Hereditary Cancer Syndrome; Hereditary neoplastic syndrome. Identifiers: Orphanet 140162, MedGen C0027672, MeSH D009386, MONDO:0015356.
Familial cancer of breast. Also called: BREAST CANCER, FAMILIAL; hereditary breast carcinoma; Hereditary breast cancer. Identifiers: Orphanet 227535, MedGen C0346153, MONDO:0016419, OMIM 114480. Disease mechanism: loss of function.

Submissions (2):

Labcorp Genetics (formerly Invitae), Labcorp
Classification: Pathogenic for Familial cancer of breast. Last evaluated: 2024-01-30. Review status: criteria provided, single submitter. Criteria: Invitae Variant Classification Sherloc (09022015). Collection method: clinical testing. Allele origin: germline.
Comment: This sequence change creates a premature translational stop signal (p.Glu12Glyfs*6) in the PALB2 gene. It is expected to result in an absent or disrupted protein product. Loss-of-function variants in PALB2 are known to be pathogenic (PMID: 17200668, 17200671, 17200672, 24136930, 25099575). This variant is not present in population databases (gnomAD no frequency). This variant has not been reported in the literature in individuals affected with PALB2-related conditions. ClinVar contains an entry for this variant (Variation ID: 231271). For these reasons, this variant has been classified as Pathogenic.

Ambry Genetics
Classification: Pathogenic for Hereditary cancer-predisposing syndrome. Last evaluated: 2015-04-07. Review status: criteria provided, single submitter. Criteria: Ambry Variant Classification Scheme 2023. Collection method: clinical testing. Allele origin: germline.
Comment: The c.35delA pathogenic mutation, located in coding exon 1 of the PALB2 gene, results from a deletion of one nucleotide at nucleotide position 35, causing a translational frameshift with a predicted alternate stop codon. Since frameshifts are typically deleterious in nature, this alteration is interpreted as a disease-causing mutation (ACMG Recommendations for Standards for Interpretation and Reporting of Sequence Variations. Revision 2007. Genet Med. 2008;10:294).

Literature cited by the submitters: PubMed 17200668 (cited by Labcorp Genetics (formerly Invitae), Labcorp); PubMed 17200671 (cited by Labcorp Genetics (formerly Invitae), Labcorp); PubMed 17200672 (cited by Labcorp Genetics (formerly Invitae), Labcorp); PubMed 24136930 (cited by Labcorp Genetics (formerly Invitae), Labcorp); PubMed 25099575 (cited by Labcorp Genetics (formerly Invitae), Labcorp).